The following is an entry in ClinVar:

ClinVar aggregate classification (germline): Uncertain significance (1 of 4 stars; one submission).

Conditions:
Familial thoracic aortic aneurysm and aortic dissection (TAAD). Also called: Thoracic aortic aneurysms and dissections. Identifiers: Orphanet 91387, MedGen C4707243, MONDO:0019625.

Submission:

Ambry Genetics
Classification: Uncertain significance for Familial thoracic aortic aneurysm and aortic dissection. Last evaluated: 2024-11-13. Review status: criteria provided, single submitter. Criteria: Ambry Variant Classification Scheme 2023. Collection method: clinical testing. Allele origin: germline.
Comment: The p.F138L variant (also known as c.412T>C), located in coding exon 3 of the COL5A1 gene, results from a T to C substitution at nucleotide position 412. The phenylalanine at codon 138 is replaced by leucine, an amino acid with highly similar properties. This amino acid position is highly conserved in available vertebrate species. In addition, this alteration is predicted to be tolerated by in silico analysis. Based on the available evidence, the clinical significance of this variant remains unclear.

NM_000093.5(COL5A1):c.412T>C (p.Phe138Leu)

Gene: COL5A1 (collagen type V alpha 1 chain; plus strand). Cytogenetic location: 9q34.3.
Variant type: single nucleotide variant.
Coding change: c.412T>C on transcript NM_000093.5 (MANE Select); coding-DNA position 412, T replaced by C.
Protein change: p.Phe138Leu; replaces phenylalanine 138 with leucine.
Molecular consequence: missense variant.
Genome position (GRCh38, 1-based): chr9:134,700,043, T>C. VCF-style: chr9-134700043-T-C. GRCh37 (hg19) VCF-style: chr9-137591889-T-C.
Other names: c.412T>C, p.Phe138Leu (NM_001278074.1); short protein forms F138L.
Identifiers: ClinVar variation 3495560 (VCV003495560.1).